The following is an entry in ClinVar:

ClinVar aggregate classification (germline): Conflicting classifications of pathogenicity. Review status: criteria provided, conflicting classifications (1 of 4 stars). 4 submissions from 4 submitters: Likely pathogenic (1); Uncertain significance (3). Last evaluated 2026-05-11.

Conditions:
Polycystic kidney disease, adult type (PKD1). Also called: Polycystic Kidney Disease 1, Autosomal Dominant; Polycystic kidney disease 1; Polycystic kidney disease 1, severe; POLYCYSTIC KIDNEY DISEASE, ADULT, TYPE I; Polycystic Kidney, Autosomal Dominant; POLYCYSTIC KIDNEY DISEASE 1 WITH OR WITHOUT POLYCYSTIC LIVER DISEASE. Identifiers: MedGen C3149841, MONDO:0008263, OMIM 173900.
PKD1-related disorder. Also called: PKD1-related condition.

Submissions (4):

Victorian Clinical Genetics Services, Murdoch Childrens Research Institute
Classification: Uncertain significance for Polycystic kidney disease, adult type. Last evaluated: 2026-05-11. Review status: criteria provided, single submitter. Criteria: ACMG Guidelines, 2015. Collection method: clinical testing. Allele origin: germline. Affected: yes.
Comment: This variant is classified as VUS-3A. Evidence in support of pathogenic classification: Variant is present in gnomAD <0.001 for a dominant condition (v4: 2 heterozygote(s), 0 homozygote(s)); This variant has limited previous evidence of pathogenicity in an unrelated individual(s). This variant has been classified as VUS by a clinical laboratory in ClinVar, and reported in the literature in an individual with PKD (PMID: 22383692); Missense variant predicted to be damaging by in silico tool(s) or highly conserved with a major amino acid change. Additional information: Variant is predicted to result in a missense amino acid change from Tyr to Cys; This variant is heterozygous; This gene is associated with autosomal dominant disease. Polycystic kidney disease 1 (MIM#173900) is predominantly caused by monoallelic variants, with rare reports of biallelic variants causing disease (OMIM); No published evidence of segregation with disease has been identified for this variant; No published functional evidence has been identified for this variant; Another missense variant(s) comparable to the one identified in this case has inconclusive previous evidence for pathogenicity. p.(Tyr796Ser) has been classified as VUS by a clinical laboratory in ClinVar; Variant is not located in an established domain, motif, hotspot or informative constraint region; Loss of function is a known mechanism of disease in this gene and is associated with polycystic kidney disease 1 (MIM#173900); Inheritance information for this variant is not currently available in this individual.

PreventionGenetics, part of Exact Sciences
Classification: Uncertain significance for PKD1-related condition. Last evaluated: 2026-03-23. Review status: criteria provided, single submitter. Criteria: ACMG Guidelines, 2015. Collection method: clinical testing. Allele origin: germline.
Comment: The PKD1 c.2387A>G variant is predicted to result in the amino acid substitution p.Tyr796Cys. This variant has been reported in an individual with autosomal dominant polycystic kidney disease (ADPKD) (Table 2. Rossetti et al. 2012. PubMed ID: 22383692). This variant has not been reported in a large population database (gnomAD), indicating this variant is rare. At this time, the clinical significance of this variant is uncertain due to the absence of conclusive functional and genetic evidence.

MVZ Martinsried, Medicover Genetics
Classification: Uncertain significance for Polycystic kidney disease, adult type. Last evaluated: 2025-11-13. Review status: criteria provided, single submitter. Criteria: ACGS Guidelines, 2020. Collection method: clinical testing. Allele origin: unknown. Observed: 1 heterozygote.

Blueprint Genetics
Classification: Likely pathogenic for PKD1-related disorders. Last evaluated: 2024-08-09. Review status: criteria provided, single submitter. Criteria: ACMG Guidelines, 2015. Collection method: clinical testing. Allele origin: germline. Affected: yes. Observed: 1 variant allele.

Literature cited by the submitters: PubMed 22383692 (cited by Victorian Clinical Genetics Services, Murdoch Childrens Research Institute).

NM_001009944.3(PKD1):c.2387A>G (p.Tyr796Cys)

Gene: PKD1 (polycystin 1, transient receptor potential channel interacting; minus strand).
Variant type: single nucleotide variant.
Coding change: c.2387A>G on transcript NM_001009944.3 (MANE Select); coding-DNA position 2387, A replaced by G.
Protein change: p.Tyr796Cys; replaces tyrosine 796 with cysteine.
Molecular consequence: missense variant.
Other names: c.2387A>G, p.Tyr796Cys (NM_000296.4); short protein forms Y796C.
Identifiers: ClinVar variation 4686692 (VCV004686692.4).